The following is an entry in ClinVar:

NC_000001.10:g.(?_167400898)_(167487722_?)dup

Gene: CD247 (CD247 molecule; minus strand). Cytogenetic location: 1q24.2.
Variant type: Duplication.
Identifiers: ClinVar variation 1064382 (VCV001064382.1).

ClinVar aggregate classification (germline): Uncertain significance (1 of 4 stars; one submission).

Conditions:
Immunodeficiency 25. Also called: Immunodeficiency due to defect in cd3-zeta, somatic. Identifiers: MedGen C1857798, MONDO:0012426, OMIM 610163.

Submission:

Labcorp Genetics (formerly Invitae), Labcorp
Classification: Uncertain significance for Immunodeficiency 25. Last evaluated: 2020-09-02. Review status: criteria provided, single submitter. Criteria: Invitae Variant Classification Sherloc (09022015). Collection method: clinical testing. Allele origin: germline.
Comment: This variant results in a copy number gain of the genomic region encompassing the full coding sequence of the CD247 gene. The boundaries of this event are unknown as they extend beyond the assayed region for this gene and therefore may encompass additional genes. As the precise location of this event is unknown, it may be in tandem or it may be located elsewhere in the genome. This variant has not been reported in the literature in individuals with CD247-related conditions. Experimental studies and prediction algorithms are not available or were not evaluated, and the functional significance of this variant is currently unknown. In summary, the available evidence is currently insufficient to determine the role of this variant in disease. Therefore, it has been classified as a Variant of Uncertain Significance.